The following is an entry in ClinVar:

NM_018263.6(ASXL2):c.140+5G>C

Gene: ASXL2 (ASXL transcriptional regulator 2; minus strand). Cytogenetic location: 2p23.3.
Variant type: single nucleotide variant.
Coding change: c.140+5G>C on transcript NM_018263.6 (MANE Select); 5 bases into the intron after coding-DNA position 140, G replaced by C.
Molecular consequence: intron variant.
Genome position (GRCh38, 1-based): chr2:25,845,476, C>G on the plus strand (G>C on the coding strand, the complement: ASXL2 is on the minus strand). VCF-style: chr2-25845476-C-G. GRCh37 (hg19) VCF-style: chr2-26068345-C-G.
Identifiers: ClinVar variation 4882009 (VCV004882009.2).

ClinVar aggregate classification (germline): Uncertain significance (1 of 4 stars; one submission).

Conditions:
Shashi-Pena syndrome (SHAPNS). Identifiers: Orphanet 689408, MedGen C4310672, MONDO:0014963, OMIM 617190.

Submission:

Dasa
Classification: Uncertain significance for Shashi-Pena syndrome. Last evaluated: 2025-06-17. Review status: criteria provided, single submitter. Criteria: DASA Assertion Criteria. Collection method: clinical testing. Allele origin: germline.
Comment: NM_018263.6(ASXL2):c.140+5G>C is a splice-region variant. This variant is absent from population databases. The currently available literature and clinical evidence are not sufficient to establish a definitive association between this variant and the reported condition. Therefore, this variant is classified as a variant of uncertain significance.